The following is an entry in ClinVar:

NM_001038603.3(MARVELD2):c.1033A>G (p.Met345Val)

Gene: MARVELD2 (MARVEL domain containing 2; plus strand). Cytogenetic location: 5q13.2.
Variant type: single nucleotide variant.
Coding change: c.1033A>G on transcript NM_001038603.3 (MANE Select); coding-DNA position 1033, A replaced by G.
Protein change: p.Met345Val; replaces methionine 345 with valine.
Molecular consequence: missense variant.
Genome position (GRCh38, 1-based): chr5:69,420,418, A>G. VCF-style: chr5-69420418-A-G. GRCh37 (hg19) VCF-style: chr5-68716245-A-G.
Other names: p.Met345Val; c.1033A>G, p.Met345Val (NM_001244734.2); short protein forms M345V.
Identifiers: ClinVar variation 354088 (VCV000354088.15), dbSNP rs142560436, ClinGen allele CA3294161.

ClinVar aggregate classification (germline): Uncertain significance. Review status: criteria provided, multiple submitters, no conflicts (2 of 4 stars). 7 submissions from 7 submitters: Uncertain significance (7). Last evaluated 2026-02-02.

Conditions:
MARVELD2-related disorder. Also called: MARVELD2-related condition.
Inborn genetic diseases. Identifiers: MedGen C0950123, MeSH D030342.
Autosomal recessive nonsyndromic hearing loss 49. Also called: Deafness, neurosensory, autosomal recessive 49. Identifiers: Orphanet 90636, MedGen C1857811, MONDO:0012420, OMIM 610153.

Allele frequency attached by ClinVar (database versions not stated): gnomAD exomes 0.00029 and 0.00022; gnomAD 0.00030 and 0.00029; ESP Exome Variant Server 0.00046; ExAC 0.00017; TOPMed 0.00023.
gnomAD v4.1: 461 of 1,613,870 alleles (0.029%); highest among the groups gnomAD compares: Non-Finnish European, 0.036%; no homozygotes.

Submissions (7):

PreventionGenetics, part of Exact Sciences
Classification: Uncertain significance for MARVELD2-related condition. Last evaluated: 2026-02-02. Review status: criteria provided, single submitter. Criteria: ACMG Guidelines, 2015. Collection method: clinical testing. Allele origin: germline.
Comment: The MARVELD2 c.1033A>G variant is predicted to result in the amino acid substitution p.Met345Val. To our knowledge, this variant has not been reported in the literature. This variant is reported in 0.041% of alleles in individuals of European (Non-Finnish) descent in gnomAD. At this time, the clinical significance of this variant is uncertain due to the absence of conclusive functional and genetic evidence.

Blueprint Genetics
Classification: Uncertain significance. Last evaluated: 2024-10-23. Review status: criteria provided, single submitter. Criteria: ACMG Guidelines, 2015. Collection method: clinical testing. Allele origin: germline.

Ambry Genetics
Classification: Uncertain significance for Inborn genetic diseases. Last evaluated: 2024-08-01. Review status: criteria provided, single submitter. Criteria: Ambry Variant Classification Scheme 2023. Collection method: clinical testing. Allele origin: germline.

GeneDx
Classification: Uncertain significance. Last evaluated: 2024-01-03. Review status: criteria provided, single submitter. Criteria: GeneDx Variant Classification Process June 2021. Collection method: clinical testing. Allele origin: germline. Affected: yes.
Comment: In silico analysis supports that this missense variant does not alter protein structure/function; Has not been previously published as pathogenic or benign to our knowledge

Labcorp Genetics (formerly Invitae), Labcorp
Classification: Uncertain significance. Last evaluated: 2022-07-06. Review status: criteria provided, single submitter. Criteria: Invitae Variant Classification Sherloc (09022015). Collection method: clinical testing. Allele origin: germline.
Comment: This sequence change replaces methionine, which is neutral and non-polar, with valine, which is neutral and non-polar, at codon 345 of the MARVELD2 protein (p.Met345Val). This variant is present in population databases (rs142560436, gnomAD 0.04%). This variant has not been reported in the literature in individuals affected with MARVELD2-related conditions. ClinVar contains an entry for this variant (Variation ID: 354088). Algorithms developed to predict the effect of missense changes on protein structure and function output the following: SIFT: "Tolerated"; PolyPhen-2: "Benign"; Align-GVGD: "Class C0". The valine amino acid residue is found in multiple mammalian species, which suggests that this missense change does not adversely affect protein function. In summary, the available evidence is currently insufficient to determine the role of this variant in disease. Therefore, it has been classified as a Variant of Uncertain Significance.

Laboratory for Molecular Medicine, Mass General Brigham Personalized Medicine
Classification: Uncertain significance. Last evaluated: 2019-01-04. Review status: criteria provided, single submitter. Criteria: LMM Criteria. Collection method: clinical testing. Allele origin: germline. Observed: 1 variant allele.
Comment: The p.Met345Val variant in MARVELD2 has not been previously reported in individu als with hearing loss, but has been identified in 0.04% (53/129156) of European chromosomes by gnomAD. This variant has also been reported in ClinVar (Variation ID 354088). Computational prediction tools a nd conservation analysis do not provide strong support for or against an impact to the protein. In summary, the clinical significance of the p.Met345Val variant is uncertain. ACMG/AMP Criteria applied: PM2_Supporting.

Illumina Laboratory Services, Illumina
Classification: Uncertain significance for Autosomal recessive nonsyndromic hearing loss 49. Last evaluated: 2018-01-12. Review status: criteria provided, single submitter. Criteria: ICSL Variant Classification Criteria 13 December 2019. Collection method: clinical testing. Allele origin: germline.